The following is an entry in ClinVar:

NM_003742.4(ABCB11):c.514C>T (p.Gln172Ter)

Gene: ABCB11 (ATP binding cassette subfamily B member 11; minus strand). Cytogenetic location: 2q31.1.
Variant type: single nucleotide variant.
Coding change: c.514C>T on transcript NM_003742.4 (MANE Select); coding-DNA position 514, C replaced by T.
Protein change: p.Gln172Ter; replaces glutamine 172 with a stop codon.
Molecular consequence: nonsense.
Genome position (GRCh38, 1-based): chr2:168,995,446, G>A on the plus strand (C>T on the coding strand, the complement: ABCB11 is on the minus strand). VCF-style: chr2-168995446-G-A. GRCh37 (hg19) VCF-style: chr2-169851956-G-A.
Other names: short protein forms Q172*.
Identifiers: ClinVar variation 4854730 (VCV004854730.1).
Genomic context (GRCh38, chr2:168,995,446, plus strand): 5'-AGTCAAACCACCCTATTTCCATTCTCATTATTCTCCTAAAGTAAAATTTTCTCATTTTCT[G>A]TATCTGACGAGCTGCGGCAATGACCCAAAAGCATATCTGGAAATGGACAAAGGAATGTTT-3'

ClinVar aggregate classification (germline): Pathogenic (1 of 4 stars; one submission).

Conditions:
ABCB11-related disorder. Also called: ABCB11-related condition.

Submission:

3billion
Classification: Pathogenic for ABCB11-related disorder. Last evaluated: 2025-10-07. Review status: criteria provided, single submitter. Criteria: ACMG Guidelines, 2015. Collection method: clinical testing. Allele origin: germline. Affected: yes.
Comment: The variant is observed at an extremely low frequency in the gnomAD v4.1.0 dataset (total allele frequency: <0.001%). Predicted Consequence/Location: Stop-gained (nonsense): predicted to result in a loss or disruption of normal protein function through nonsense-mediated decay (NMD) or protein truncation. Multiple pathogenic variants are reported downstream of the variant. Therefore, this variant is classified as Pathogenic according to the recommendation of ACMG/AMP guideline.